The following is an entry in ClinVar:

ClinVar aggregate classification (germline): Likely benign (1 of 4 stars; one submission).

Submission:

CeGaT Center for Human Genetics Tuebingen
Classification: Likely benign. Last evaluated: 2022-03-01. Review status: criteria provided, single submitter. Criteria: CeGaT Center For Human Genetics Tuebingen Variant Classification Criteria Version 2. Collection method: clinical testing. Allele origin: germline. Affected: yes. Observed: 1 variant allele.
Comment: HYDIN: PM2:Supporting, BP4, BP7, BS2

NM_001270974.2(HYDIN):c.10806C>T (p.Ile3602=)

Gene: HYDIN (HYDIN axonemal central pair apparatus protein; minus strand). Cytogenetic location: 16q22.2.
Variant type: single nucleotide variant.
Coding change: c.10806C>T on transcript NM_001270974.2 (MANE Select); coding-DNA position 10806, C replaced by T.
Protein change: p.Ile3602=; no amino-acid change (isoleucine 3602 retained).
Molecular consequence: synonymous variant.
Genome position (GRCh38, 1-based): chr16:70,874,447, G>A on the plus strand (C>T on the coding strand, the complement: HYDIN is on the minus strand). VCF-style: chr16-70874447-G-A. GRCh37 (hg19) VCF-style: chr16-70908350-G-A.
Identifiers: ClinVar variation 2646715 (VCV002646715.24), dbSNP rs2507962891, ClinGen allele CA496405258.